The following is an entry in ClinVar:

NM_001166114.2(PNPLA6):c.2818-19A>G

Gene: PNPLA6 (patatin like domain 6, lysophospholipase; plus strand). Cytogenetic location: 19p13.2.
Variant type: single nucleotide variant.
Coding change: c.2818-19A>G on transcript NM_001166114.2 (MANE Select); 19 bases into the intron before coding-DNA position 2818, A replaced by G.
Molecular consequence: intron variant.
Genome position (GRCh38, 1-based): chr19:7,555,230, A>G. VCF-style: chr19-7555230-A-G. GRCh37 (hg19) VCF-style: chr19-7620116-A-G.
Other names: c.2704-19A>G (NM_006702.5, NM_001166113.1); c.2623-19A>G (NM_001166112.2); c.2848-19A>G (NM_001166111.2).
Identifiers: ClinVar variation 380865 (VCV000380865.19), dbSNP rs563826, ClinGen allele CA9140238.
Genomic context (GRCh38, chr19:7,555,230, plus strand): 5'-CGAAGGTCAGGGTACCCCTGGGGGATCCGCCGGACCCCGCCCTCATGCTCCTGGGTCGCG[A>G]CTATCTCCCCCATCCCAGCATGAGCTCTACGAGAAGGTTTTCTCCAGGCGCGCGGACCGG-3'

ClinVar aggregate classification (germline): Benign. Review status: criteria provided, multiple submitters, no conflicts (2 of 4 stars). 10 submissions from 7 submitters: Benign (8). 2 of the submissions do not count toward it. Last evaluated 2026-02-04.

Conditions:
Ataxia-hypogonadism-choroidal dystrophy syndrome (BNHS). Also called: Chorioretinal dystrophy, spinocerebellar ataxia and hypogonadotropic hypogonadism; Boucher-Neuhäuser Syndrome (BNS). Identifiers: Orphanet 1180, MedGen C1859093, MONDO:0008980, OMIM 215470.
Laurence-Moon syndrome (LNMS). Also called: PNPLA6-Related Laurence-Moon Syndrome (LMS). Identifiers: Orphanet 2377, MedGen C0023138, MONDO:0009514, OMIM 245800.
Trichomegaly-retina pigmentary degeneration-dwarfism syndrome (OMCS). Also called: Eyelashes long mental retardation; Trichomegaly retina pigmentary degeneration dwarfism; Oliver-McFarlane Syndrome (OMCS); OLIVER-MCFARLANE SYNDROME. Identifiers: Orphanet 3363, MedGen C1848745, MONDO:0010152, OMIM 275400.
Hereditary spastic paraplegia 39 (SPG39). Also called: SPASTIC PARAPLEGIA 39, AUTOSOMAL RECESSIVE; Spastic Paraplegia Type 39 (SPG39). Identifiers: Orphanet 139480, MedGen C2677586, MONDO:0012787, OMIM 612020.

Allele frequency attached by ClinVar (database versions not stated): ESP Exome Variant Server 0.35905; TOPMed 0.36118; ExAC 0.39249; gnomAD exomes 0.31488 and 0.31753; 1000 Genomes Project 0.34685; 1000 Genomes Project 30x 0.35197; gnomAD 0.35323 and 0.35658.
gnomAD v4.1: 507,780 of 1,579,038 alleles (32%); highest among the groups gnomAD compares: Middle Eastern, 46%; 83,270 homozygotes.

Submissions (10):

Labcorp Genetics (formerly Invitae), Labcorp
Classification: Benign for Hereditary spastic paraplegia 39. Last evaluated: 2026-02-04. Review status: criteria provided, single submitter. Criteria: Invitae Variant Classification Sherloc (09022015). Collection method: clinical testing. Allele origin: germline.

Blueprint Genetics
Classification: Benign. Last evaluated: 2024-11-28. Review status: criteria provided, single submitter. Criteria: ACMG Guidelines, 2015. Collection method: clinical testing. Allele origin: germline.

Genome-Nilou Lab
Classification: Benign for Laurence-Moon syndrome. Last evaluated: 2021-10-25. Review status: criteria provided, single submitter. Criteria: ACMG Guidelines, 2015. Collection method: clinical testing. Allele origin: germline. Affected: no.

Genome-Nilou Lab
Classification: Benign for Ataxia-hypogonadism-choroidal dystrophy syndrome. Last evaluated: 2021-10-25. Review status: criteria provided, single submitter. Criteria: ACMG Guidelines, 2015. Collection method: clinical testing. Allele origin: germline. Affected: no.

Genome-Nilou Lab
Classification: Benign for Trichomegaly-retina pigmentary degeneration-dwarfism syndrome. Last evaluated: 2021-10-25. Review status: criteria provided, single submitter. Criteria: ACMG Guidelines, 2015. Collection method: clinical testing. Allele origin: germline. Affected: no.

Genome-Nilou Lab
Classification: Benign for Hereditary spastic paraplegia 39. Last evaluated: 2021-10-25. Review status: criteria provided, single submitter. Criteria: ACMG Guidelines, 2015. Collection method: clinical testing. Allele origin: germline. Affected: no.

GeneDx
Classification: Benign. Last evaluated: 2016-01-22. Review status: criteria provided, single submitter. Criteria: GeneDx Variant Classification (06012015). Collection method: clinical testing. Allele origin: germline. Affected: yes.
Comment: This variant is considered likely benign or benign based on one or more of the following criteria: it is a conservative change, it occurs at a poorly conserved position in the protein, it is predicted to be benign by multiple in silico algorithms, and/or has population frequency not consistent with disease.

Breakthrough Genomics
Classification: Benign. Review status: criteria provided, single submitter. Criteria: ACMG Guidelines, 2015. Collection method: not provided. Allele origin: germline. Inheritance: Autosomal recessive inheritance. Affected: yes.

Diagnostic Laboratory, Department of Genetics, University Medical Center Groningen
Classification: Benign. Review status: no assertion criteria provided. Collection method: clinical testing. Allele origin: germline. Affected: yes. Study: VKGL Data-share Consensus. Not counted in ClinVar's aggregate classification.

Joint Genome Diagnostic Labs from Nijmegen and Maastricht, Radboudumc and MUMC+
Classification: Benign. Review status: no assertion criteria provided. Collection method: clinical testing. Allele origin: germline. Affected: yes. Study: VKGL Data-share Consensus. Not counted in ClinVar's aggregate classification.